The following is an entry in ClinVar:

ClinVar aggregate classification (germline): Uncertain significance (1 of 4 stars; one submission).

Allele frequency attached by ClinVar (database versions not stated): TOPMed below 0.00001; gnomAD 0.00001 and 0.00002; gnomAD exomes 0.00001 and 0.00003; ExAC 0.00009; 1000 Genomes Project 30x 0.00016; 1000 Genomes Project 0.00020.
gnomAD v4.1: 21 of 1,551,130 alleles (0.0014%); highest among the groups gnomAD compares: South Asian, 0.017%; no homozygotes.

Submission:

Labcorp Genetics (formerly Invitae), Labcorp
Classification: Uncertain significance. Last evaluated: 2022-06-03. Review status: criteria provided, single submitter. Criteria: Invitae Variant Classification Sherloc (09022015). Collection method: clinical testing. Allele origin: germline.
Comment: This sequence change replaces asparagine, which is neutral and polar, with serine, which is neutral and polar, at codon 2191 of the UNC80 protein (p.Asn2191Ser). This variant is present in population databases (rs545275856, gnomAD 0.02%). This variant has not been reported in the literature in individuals affected with UNC80-related conditions. ClinVar contains an entry for this variant (Variation ID: 1352309). Algorithms developed to predict the effect of missense changes on protein structure and function are either unavailable or do not agree on the potential impact of this missense change (SIFT: "Not Available"; PolyPhen-2: "Benign"; Align-GVGD: "Not Available"). Algorithms developed to predict the effect of sequence changes on RNA splicing suggest that this variant may create or strengthen a splice site. In summary, the available evidence is currently insufficient to determine the role of this variant in disease. Therefore, it has been classified as a Variant of Uncertain Significance.

NM_001371986.1(UNC80):c.6770A>G (p.Asn2257Ser)

Gene: UNC80 (unc-80 homolog, NALCN channel complex subunit; plus strand). Cytogenetic location: 2q34.
Variant type: single nucleotide variant.
Coding change: c.6770A>G on transcript NM_001371986.1 (MANE Select); coding-DNA position 6770, A replaced by G.
Protein change: p.Asn2257Ser; replaces asparagine 2257 with serine.
Molecular consequence: missense variant.
Genome position (GRCh38, 1-based): chr2:209,941,344, A>G. VCF-style: chr2-209941344-A-G. GRCh37 (hg19) VCF-style: chr2-210806068-A-G.
Other names: c.6572A>G, p.Asn2191Ser (NM_032504.2); c.6557A>G, p.Asn2186Ser (NM_182587.4); short protein forms N2186S, N2191S, N2257S.
Identifiers: ClinVar variation 1352309 (VCV001352309.5), dbSNP rs545275856, ClinGen allele CA2083410.